The following is an entry in ClinVar:

NM_001042492.3(NF1):c.6007-12T>C

Gene: NF1 (neurofibromin 1; plus strand). Cytogenetic location: 17q11.2.
Variant type: single nucleotide variant.
Coding change: c.6007-12T>C on transcript NM_001042492.3 (MANE Select); 12 bases into the intron before coding-DNA position 6007, T replaced by C.
Molecular consequence: intron variant.
Genome position (GRCh38, 1-based): chr17:31,336,321, T>C. VCF-style: chr17-31336321-T-C. GRCh37 (hg19) VCF-style: chr17-29663339-T-C.
Other names: c.5944-12T>C (NM_000267.4).
Identifiers: ClinVar variation 1650535 (VCV001650535.9), dbSNP rs2151553107, ClinGen allele CA2573153811.
Genomic context (GRCh38, chr17:31,336,321, plus strand): 5'-AATGAATATTTTTTAATTAAAAATTAAATTGGTAGAGTGATTAAAAACATGTTATTTTCC[T>C]TCTTCAACTAGATTACAGATCTGCTTGATGTTGTACTAGACAGTTTCATCAAAACCAGTG-3'

ClinVar aggregate classification (germline): Likely benign. Review status: criteria provided, multiple submitters, no conflicts (2 of 4 stars). 2 submissions from 2 submitters: Likely benign (2). Last evaluated 2026-09-22.

Conditions:
Neurofibromatosis, type 1 (NF1). Also called: NEUROFIBROMATOSIS, TYPE I, SOMATIC; Neurofibromatosis, type I; VON RECKLINGHAUSEN DISEASE; Peripheral type neurofibromatosis. Identifiers: Orphanet 636, MedGen C0027831, MONDO:0018975, OMIM 162200. Disease mechanism: loss of function.

gnomAD v4.1: 3 of 1,613,568 alleles (0.00019%); highest among the groups gnomAD compares: Non-Finnish European, 0.00025%; no homozygotes.

Submissions (2):

Myriad Genetics, Inc.
Classification: Likely benign for Neurofibromatosis, type 1. Last evaluated: 2026-09-22. Review status: criteria provided, single submitter. Criteria: Myriad Autosomal Dominant, Autosomal Recessive and X-Linked Classification Criteria (2023). Collection method: clinical testing. Allele origin: unknown.
Comment: This variant is considered likely benign. This variant is intronic and is not expected to impact mRNA splicing.

Labcorp Genetics (formerly Invitae), Labcorp
Classification: Likely benign for Neurofibromatosis, type 1. Last evaluated: 2022-10-18. Review status: criteria provided, single submitter. Criteria: Invitae Variant Classification Sherloc (09022015). Collection method: clinical testing. Allele origin: germline.